The following is an entry in ClinVar:

NM_001371928.1(AHDC1):c.3766G>T (p.Ala1256Ser)

Gene: AHDC1 (AT-hook DNA binding motif containing 1; minus strand). Cytogenetic location: 1p36.11.
Variant type: single nucleotide variant.
Coding change: c.3766G>T on transcript NM_001371928.1 (MANE Select); coding-DNA position 3766, G replaced by T.
Protein change: p.Ala1256Ser; replaces alanine 1256 with serine.
Molecular consequence: missense variant.
Genome position (GRCh38, 1-based): chr1:27,548,350, C>A on the plus strand (G>T on the coding strand, the complement: AHDC1 is on the minus strand). VCF-style: chr1-27548350-C-A. GRCh37 (hg19) VCF-style: chr1-27874861-C-A.
Other names: c.3766G>T, p.Ala1256Ser (NM_001029882.3); short protein forms A1256S.
Identifiers: ClinVar variation 1306703 (VCV001306703.5), dbSNP rs147020238, ClinGen allele CA715498.

ClinVar aggregate classification (germline): Uncertain significance. Review status: criteria provided, multiple submitters, no conflicts (2 of 4 stars). 3 submissions from 3 submitters: Uncertain significance (3). Last evaluated 2025-09-11.

Conditions:
Inborn genetic diseases. Identifiers: MedGen C0950123, MeSH D030342.

gnomAD v4.1: 43 of 1,605,630 alleles (0.0027%); highest among the groups gnomAD compares: Non-Finnish European, 0.0036%; no homozygotes.

Submissions (3):

Ambry Genetics
Classification: Uncertain significance for Inborn genetic diseases. Last evaluated: 2025-09-11. Review status: criteria provided, single submitter. Criteria: Ambry Variant Classification Scheme 2023. Collection method: clinical testing. Allele origin: germline.

Labcorp Genetics (formerly Invitae), Labcorp
Classification: Uncertain significance. Last evaluated: 2024-03-07. Review status: criteria provided, single submitter. Criteria: Invitae Variant Classification Sherloc (09022015). Collection method: clinical testing. Allele origin: germline.
Comment: This sequence change replaces alanine, which is neutral and non-polar, with serine, which is neutral and polar, at codon 1256 of the AHDC1 protein (p.Ala1256Ser). This variant is present in population databases (rs147020238, gnomAD 0.002%). This variant has not been reported in the literature in individuals affected with AHDC1-related conditions. ClinVar contains an entry for this variant (Variation ID: 1306703). Algorithms developed to predict the effect of missense changes on protein structure and function output the following: SIFT: "Not Available"; PolyPhen-2: "Benign"; Align-GVGD: "Not Available". The serine amino acid residue is found in multiple mammalian species, which suggests that this missense change does not adversely affect protein function. In summary, the available evidence is currently insufficient to determine the role of this variant in disease. Therefore, it has been classified as a Variant of Uncertain Significance.

GeneDx
Classification: Uncertain significance. Last evaluated: 2019-02-28. Review status: criteria provided, single submitter. Criteria: GeneDx Variant Classification Process June 2021. Collection method: clinical testing. Allele origin: germline. Affected: yes.
Comment: In silico analysis, which includes protein predictors and evolutionary conservation, supports that this variant does not alter protein structure/function; Has not been previously published as pathogenic or benign to our knowledge